The following is an entry in ClinVar:

NM_006397.3(RNASEH2A):c.747G>A (p.Ala249=)

Gene: RNASEH2A (ribonuclease H2 subunit A; plus strand). Cytogenetic location: 19p13.13.
Variant type: single nucleotide variant.
Coding change: c.747G>A on transcript NM_006397.3 (MANE Select); coding-DNA position 747, G replaced by A.
Protein change: p.Ala249=; no amino-acid change (alanine 249 retained).
Molecular consequence: synonymous variant.
Genome position (GRCh38, 1-based): chr19:12,813,192, G>A. VCF-style: chr19-12813192-G-A. GRCh37 (hg19) VCF-style: chr19-12924006-G-A.
Identifiers: ClinVar variation 793391 (VCV000793391.15), dbSNP rs144494263, ClinGen allele CA9232020.

ClinVar aggregate classification (germline): Likely benign. Review status: criteria provided, multiple submitters, no conflicts (2 of 4 stars). 4 submissions from 4 submitters: Likely benign (3). 1 of the submissions does not count toward it. Last evaluated 2026-01-23.

Conditions:
RNASEH2A-related disorder. Also called: RNASEH2A-related condition.
Aicardi-Goutieres syndrome 4. Identifiers: Orphanet 51, MedGen C1835912, MONDO:0012472, OMIM 610333.

Allele frequency attached by ClinVar (database versions not stated): gnomAD 0.00029; 1000 Genomes Project 30x 0.00031; TOPMed 0.00049; ESP Exome Variant Server 0.00100.
gnomAD v4.1: 112 of 1,613,934 alleles (0.0069%); highest among the groups gnomAD compares: African/African-American, 0.11%; no homozygotes.

Submissions (4):

Women's Health and Genetics/Laboratory Corporation of America, LabCorp
Classification: Likely benign. Last evaluated: 2026-01-23. Review status: criteria provided, single submitter. Criteria: LabCorp Variant Classification Summary - May 2015. Collection method: clinical testing. Allele origin: germline.

Labcorp Genetics (formerly Invitae), Labcorp
Classification: Likely benign for Aicardi-Goutieres syndrome 4. Last evaluated: 2025-12-15. Review status: criteria provided, single submitter. Criteria: Invitae Variant Classification Sherloc (09022015). Collection method: clinical testing. Allele origin: germline.

Blueprint Genetics
Classification: Likely benign. Last evaluated: 2023-11-13. Review status: criteria provided, single submitter. Criteria: ACMG Guidelines, 2015. Collection method: clinical testing. Allele origin: germline.

PreventionGenetics, part of Exact Sciences
Classification: Likely benign for RNASEH2A-related condition. Last evaluated: 2020-09-14. Review status: no assertion criteria provided. Collection method: clinical testing. Allele origin: germline. Not counted in ClinVar's aggregate classification.
Comment: This variant is classified as likely benign based on ACMG/AMP sequence variant interpretation guidelines (Richards et al. 2015 PMID: 25741868, with internal and published modifications).